The following is an entry in ClinVar:

NC_000001.10:g.(?_237905576)_(237958651_?)dup

Gene: RYR2 (ryanodine receptor 2; plus strand). Cytogenetic location: 1q43.
Variant type: Duplication.
Identifiers: ClinVar variation 3247738 (VCV003247738.1).

ClinVar aggregate classification (germline): Uncertain significance (1 of 4 stars; one submission).

Conditions:
Catecholaminergic polymorphic ventricular tachycardia 1. Also called: RYR2-Related Catecholaminergic Polymorphic Ventricular Tachycardia; VENTRICULAR TACHYCARDIA, CATECHOLAMINERGIC POLYMORPHIC, 1, WITH OR WITHOUT ATRIAL DYSFUNCTION AND/OR DILATED CARDIOMYOPATHY; VENTRICULAR TACHYCARDIA, STRESS-INDUCED POLYMORPHIC 1. Identifiers: Orphanet 3286, MedGen C1631597, MONDO:0011484, OMIM 604772.

Submission:

Labcorp Genetics (formerly Invitae), Labcorp
Classification: Uncertain significance for Catecholaminergic polymorphic ventricular tachycardia 1. Last evaluated: 2023-09-08. Review status: criteria provided, single submitter. Criteria: Invitae Variant Classification Sherloc (09022015). Collection method: clinical testing. Allele origin: unknown.
Comment: In summary, the available evidence is currently insufficient to determine the role of this variant in disease. Therefore, it has been classified as a Variant of Uncertain Significance. This variant has not been reported in the literature in individuals affected with RYR2-related conditions. This variant results in a copy number gain of the genomic region encompassing exon(s) 80-96 of the RYR2 gene. While the exact position of this variant cannot be determined from the data, sub-genic copy number gains are generally in tandem (PMID: 25640679). This variant is predicted to be in-frame, and likely preserves the integrity of the reading frame.

Literature cited by the submitters: PubMed 25640679.